The following is an entry in ClinVar:

ClinVar aggregate classification (germline): Uncertain significance (1 of 4 stars; one submission).

Conditions:
Niemann-Pick disease, type B. Also called: Chronic Visceral ASMD (Niemann-Pick Disease Type B; NPD-B). Identifiers: Orphanet 77293, MedGen C0268243, MONDO:0011871, OMIM 607616. Disease mechanism: loss of function.
Niemann-Pick disease, type A. Also called: SPHINGOMYELIN LIPIDOSIS; SPHINGOMYELINASE DEFICIENCY; Infantile Neurovisceral ASMD (Niemann-Pick Disease Type A; NPD-A). Identifiers: Orphanet 77292, MedGen C0268242, MONDO:0009756, OMIM 257200. Disease mechanism: loss of function.

gnomAD v4.1: 2 of 1,613,182 alleles (0.00012%); highest among the groups gnomAD compares: Admixed American, 0.0033%; no homozygotes.

Submission:

Labcorp Genetics (formerly Invitae), Labcorp
Classification: Uncertain significance for Niemann-Pick disease, type B; Niemann-Pick disease, type A. Last evaluated: 2025-10-28. Review status: criteria provided, single submitter. Criteria: Invitae Variant Classification Sherloc (09022015). Collection method: clinical testing. Allele origin: germline.
Comment: This sequence change replaces isoleucine, which is neutral and non-polar, with valine, which is neutral and non-polar, at codon 424 of the SMPD1 protein (p.Ile424Val). This variant is present in population databases (rs753011073, gnomAD 0.003%). This variant has not been reported in the literature in individuals affected with SMPD1-related conditions. Invitae Evidence Modeling of protein sequence and biophysical properties (such as structural, functional, and spatial information, amino acid conservation, physicochemical variation, residue mobility, and thermodynamic stability) has been performed for this missense variant. However, the output from this modeling did not meet the statistical confidence thresholds required to predict the impact of this variant on SMPD1 protein function. In summary, the available evidence is currently insufficient to determine the role of this variant in disease. Therefore, it has been classified as a Variant of Uncertain Significance.

NM_000543.5(SMPD1):c.1270A>G (p.Ile424Val)

Gene: SMPD1 (sphingomyelin phosphodiesterase 1; plus strand). Cytogenetic location: 11p15.4.
Variant type: single nucleotide variant.
Coding change: c.1270A>G on transcript NM_000543.5 (MANE Select); coding-DNA position 1270, A replaced by G.
Protein change: p.Ile424Val; replaces isoleucine 424 with valine.
Molecular consequence: missense variant. On other transcripts: non-coding transcript variant (2).
Genome position (GRCh38, 1-based): chr11:6,393,623, A>G. VCF-style: chr11-6393623-A-G. GRCh37 (hg19) VCF-style: chr11-6414853-A-G.
Other names: c.1267A>G, p.Ile423Val (NM_001007593.3); c.1270A>G, p.Ile424Val (NM_001318087.2); c.349A>G, p.Ile117Val (NM_001318088.2); c.1138A>G, p.Ile380Val (NM_001365135.2); short protein forms I380V, I117V, I423V, I424V.
Identifiers: ClinVar variation 4788509 (VCV004788509.1).